The following is an entry in ClinVar:

ClinVar aggregate classification (germline): Uncertain significance (1 of 4 stars; one submission).

Conditions:
Eichsfeld type congenital muscular dystrophy (CMYO3). Also called: MYOPATHY, SEPN1-RELATED; SELENON-related myopathy; Congenital myopathy 3 with rigid spine; Rigid spine muscular dystrophy 1. Identifiers: MedGen C0410180, MONDO:0100100, OMIM 602771.

Allele frequency attached by ClinVar (database versions not stated): gnomAD 0.00001.
gnomAD v4.1: 1 of 932,758 alleles (0.00011%); highest among the groups gnomAD compares: Non-Finnish European, 0.00013%; no homozygotes.

Submission:

Labcorp Genetics (formerly Invitae), Labcorp
Classification: Uncertain significance for Eichsfeld type congenital muscular dystrophy. Last evaluated: 2023-12-06. Review status: criteria provided, single submitter. Criteria: Invitae Variant Classification Sherloc (09022015). Collection method: clinical testing. Allele origin: germline.
Comment: This sequence change replaces glycine, which is neutral and non-polar, with arginine, which is basic and polar, at codon 10 of the SELENON protein (p.Gly10Arg). The frequency data for this variant in the population databases is considered unreliable, as metrics indicate insufficient coverage at this position in the gnomAD database. This variant has not been reported in the literature in individuals affected with SELENON-related conditions. ClinVar contains an entry for this variant (Variation ID: 1365549). Advanced modeling of protein sequence and biophysical properties (such as structural, functional, and spatial information, amino acid conservation, physicochemical variation, residue mobility, and thermodynamic stability) performed at Invitae indicates that this missense variant is not expected to disrupt SELENON protein function with a negative predictive value of 95%. In summary, the available evidence is currently insufficient to determine the role of this variant in disease. Therefore, it has been classified as a Variant of Uncertain Significance.

NM_206926.2(SELENON):c.28G>C (p.Gly10Arg)

Gene: SELENON (selenoprotein N; plus strand). Cytogenetic location: 1p36.11.
Variant type: single nucleotide variant.
Coding change: c.28G>C on transcript NM_206926.2 (MANE Select); coding-DNA position 28, G replaced by C.
Protein change: p.Gly10Arg; replaces glycine 10 with arginine.
Molecular consequence: missense variant.
Genome position (GRCh38, 1-based): chr1:25,800,258, G>C. VCF-style: chr1-25800258-G-C. GRCh37 (hg19) VCF-style: chr1-26126749-G-C.
Other names: c.28G>C, p.Gly10Arg (NM_020451.3); short protein forms G10R.
Identifiers: ClinVar variation 1365549 (VCV001365549.8), dbSNP rs1174797000, ClinGen allele CA339105748.